The following is an entry in ClinVar:

NM_032578.4(MYPN):c.3515C>A (p.Pro1172His)

Gene: MYPN (myopalladin; plus strand). Cytogenetic location: 10q21.3.
Variant type: single nucleotide variant.
Coding change: c.3515C>A on transcript NM_032578.4 (MANE Select); coding-DNA position 3515, C replaced by A.
Protein change: p.Pro1172His; replaces proline 1172 with histidine.
Molecular consequence: missense variant. On other transcripts: non-coding transcript variant (2).
Genome position (GRCh38, 1-based): chr10:68,201,850, C>A. VCF-style: chr10-68201850-C-A. GRCh37 (hg19) VCF-style: chr10-69961607-C-A.
Other names: c.3515C>A, p.Pro1172His (NM_001256267.2); c.2633C>A, p.Pro878His (NM_001256268.2); short protein forms P1172H, P878H.
Identifiers: ClinVar variation 2449138 (VCV002449138.2), dbSNP rs2495985275, ClinGen allele CA376859893.

ClinVar aggregate classification (germline): Uncertain significance (1 of 4 stars; one submission).

Conditions:
Cardiovascular phenotype. Identifiers: MedGen CN230736.

Submission:

Ambry Genetics
Classification: Uncertain significance for Cardiovascular phenotype. Last evaluated: 2023-02-16. Review status: criteria provided, single submitter. Criteria: Ambry Variant Classification Scheme 2023. Collection method: clinical testing. Allele origin: germline.
Comment: The p.P1172H variant (also known as c.3515C>A), located in coding exon 17 of the MYPN gene, results from a C to A substitution at nucleotide position 3515. The proline at codon 1172 is replaced by histidine, an amino acid with similar properties. This amino acid position is conserved. In addition, this alteration is predicted to be deleterious by in silico analysis. Since supporting evidence is limited at this time, the clinical significance of this alteration remains unclear.